The following is an entry in ClinVar:

NM_000059.4(BRCA2):c.219G>A (p.Gln73=)

Gene: BRCA2 (BRCA2 DNA repair associated; plus strand). Cytogenetic location: 13q13.1.
Variant type: single nucleotide variant.
Coding change: c.219G>A on transcript NM_000059.4 (MANE Select); coding-DNA position 219, G replaced by A.
Protein change: p.Gln73=; no amino-acid change (glutamine 73 retained).
Molecular consequence: synonymous variant.
Genome position (GRCh38, 1-based): chr13:32,319,228, G>A. VCF-style: chr13-32319228-G-A. GRCh37 (hg19) VCF-style: chr13-32893365-G-A.
Identifiers: ClinVar variation 480989 (VCV000480989.14), dbSNP rs1555280385, ClinGen allele CA483436006.

ClinVar aggregate classification (germline): Likely benign. Review status: criteria provided, multiple submitters, no conflicts (2 of 4 stars). 3 submissions from 3 submitters: Likely benign (3). Last evaluated 2025-04-17.

Conditions:
Hereditary cancer-predisposing syndrome. Also called: Hereditary Cancer Syndrome; Neoplastic Syndromes, Hereditary; Tumor predisposition; Hereditary neoplastic syndrome. Identifiers: Orphanet 140162, MedGen C0027672, MeSH D009386, MONDO:0015356.
Hereditary breast ovarian cancer syndrome. Also called: Hereditary breast and ovarian cancer syndrome; Hereditary breast and ovarian cancer; Hereditary breast and ovarian cancer syndrome (HBOC); Breast and ovarian cancer; Hereditary breast and/or ovarian cancer syndrome; BRCA1- and BRCA2-Associated Hereditary Breast and Ovarian Cancer. Identifiers: Orphanet 145, MedGen C0677776, MeSH D061325, MONDO:0003582. Disease mechanism: loss of function.

Allele frequency attached by ClinVar (database versions not stated): gnomAD exomes below 0.00001; gnomAD 0.00001.
gnomAD v4.1: 2 of 1,613,630 alleles (0.00012%); highest among the groups gnomAD compares: Non-Finnish European, 0.00017%; no homozygotes.

Submissions (3):

Labcorp Genetics (formerly Invitae), Labcorp
Classification: Likely benign for Hereditary breast ovarian cancer syndrome. Last evaluated: 2025-04-17. Review status: criteria provided, single submitter. Criteria: Invitae Variant Classification Sherloc (09022015). Collection method: clinical testing. Allele origin: germline.

GeneDx
Classification: Likely benign. Last evaluated: 2017-07-24. Review status: criteria provided, single submitter. Criteria: GeneDx Variant Classification (06012015). Collection method: clinical testing. Allele origin: germline. Affected: yes.
Comment: This variant is considered likely benign or benign based on one or more of the following criteria: it is a conservative change, it occurs at a poorly conserved position in the protein, it is predicted to be benign by multiple in silico algorithms, and/or has population frequency not consistent with disease.

Ambry Genetics
Classification: Likely benign for Hereditary cancer-predisposing syndrome. Last evaluated: 2017-03-07. Review status: criteria provided, single submitter. Criteria: Ambry Variant Classification Scheme 2023. Collection method: clinical testing. Allele origin: germline.